The following is an entry in ClinVar:

NM_144670.6(A2ML1):c.4058C>T (p.Thr1353Ile)

Gene: A2ML1 (alpha-2-macroglobulin like 1; plus strand). Cytogenetic location: 12p13.31.
Variant type: single nucleotide variant.
Coding change: c.4058C>T on transcript NM_144670.6 (MANE Select); coding-DNA position 4058, C replaced by T.
Protein change: p.Thr1353Ile; replaces threonine 1353 with isoleucine.
Molecular consequence: missense variant.
Genome position (GRCh38, 1-based): chr12:8,868,354, C>T. VCF-style: chr12-8868354-C-T. GRCh37 (hg19) VCF-style: chr12-9020950-C-T.
Other names: c.2585C>T, p.Thr862Ile (NM_001282424.3); short protein forms T1353I, T862I.
Identifiers: ClinVar variation 2449335 (VCV002449335.3), dbSNP rs2539310306, ClinGen allele CA383812816.

ClinVar aggregate classification (germline): Uncertain significance. Review status: criteria provided, multiple submitters, no conflicts (2 of 4 stars). 2 submissions from 2 submitters: Uncertain significance (2). Last evaluated 2025-02-16.

Submissions (2):

Labcorp Genetics (formerly Invitae), Labcorp
Classification: Uncertain significance. Last evaluated: 2025-02-16. Review status: criteria provided, single submitter. Criteria: Invitae Variant Classification Sherloc (09022015). Collection method: clinical testing. Allele origin: germline.
Comment: This sequence change replaces threonine, which is neutral and polar, with isoleucine, which is neutral and non-polar, at codon 1353 of the A2ML1 protein (p.Thr1353Ile). This variant is not present in population databases (gnomAD no frequency). This variant has not been reported in the literature in individuals affected with A2ML1-related conditions. ClinVar contains an entry for this variant (Variation ID: 2449335). An algorithm developed to predict the effect of missense changes on protein structure and function (PolyPhen-2) suggests that this variant is likely to be tolerated. In summary, the available evidence is currently insufficient to determine the role of this variant in disease. Therefore, it has been classified as a Variant of Uncertain Significance.

Ambry Genetics
Classification: Uncertain significance. Last evaluated: 2022-12-11. Review status: criteria provided, single submitter. Criteria: Ambry Variant Classification Scheme 2023. Collection method: clinical testing. Allele origin: germline.
Comment: The p.T1353I variant (also known as c.4058C>T), located in coding exon 31 of the A2ML1 gene, results from a C to T substitution at nucleotide position 4058. The threonine at codon 1353 is replaced by isoleucine, an amino acid with similar properties. This amino acid position is conserved. In addition, this alteration is predicted to be tolerated by in silico analysis. Since supporting evidence is limited at this time, the clinical significance of this alteration remains unclear.